The following is an entry in ClinVar:

ClinVar aggregate classification (germline): Uncertain significance (1 of 4 stars; one submission).

Submission:

GeneDx
Classification: Uncertain significance. Last evaluated: 2026-03-17. Review status: criteria provided, single submitter. Criteria: GeneDx Variant Classification Process June 2021. Collection method: clinical testing. Allele origin: germline.
Comment: Not observed at significant frequency in large population cohorts (gnomAD); In silico analysis suggests that this missense variant does not alter protein structure/function; Has not been previously published as pathogenic or benign to our knowledge

NM_130839.5(UBE3A):c.787A>G (p.Asn263Asp)

Genes: SNHG14 (small nucleolar RNA host gene 14; plus strand), UBE3A (ubiquitin protein ligase E3A; minus strand). Cytogenetic location: 15q11.2.
Variant type: single nucleotide variant.
Coding change: c.787A>G on transcript NM_130839.5 (MANE Select); coding-DNA position 787, A replaced by G.
Protein change: p.Asn263Asp; replaces asparagine 263 with aspartic acid.
Molecular consequence: missense variant. On other transcripts: non-coding transcript variant (1), intron variant (2).
Genome position (GRCh38, 1-based): chr15:25,371,387, T>C on the plus strand (A>G on the coding strand, the complement: UBE3A is on the minus strand). VCF-style: chr15-25371387-T-C. GRCh37 (hg19) VCF-style: chr15-25616534-T-C.
Other names: c.727A>G, p.Asn243Asp (NM_001354549.2, NM_001374461.1, NM_130838.4 and 17 more transcripts); c.301+4078A>G (NM_001354551.2); c.361+4078A>G (NM_001354550.2); c.787A>G, p.Asn263Asp (NM_001354545.2, NM_001354505.1, NM_001354538.2); c.610A>G, p.Asn204Asp (NM_001354546.2); c.796A>G, p.Asn266Asp (NM_000462.5); short protein forms N243D, N263D, N266D, N204D.
Identifiers: ClinVar variation 5009430 (VCV005009430.1).